The following is an entry in ClinVar:

NM_001252024.2(TRPM1):c.1719G>A (p.Arg573=)

Gene: TRPM1 (transient receptor potential cation channel subfamily M member 1; minus strand). Cytogenetic location: 15q13.3.
Variant type: single nucleotide variant.
Coding change: c.1719G>A on transcript NM_001252024.2 (MANE Select); coding-DNA position 1719, G replaced by A.
Protein change: p.Arg573=; no amino-acid change (arginine 573 retained).
Molecular consequence: synonymous variant.
Genome position (GRCh38, 1-based): chr15:31,047,156, C>T on the plus strand (G>A on the coding strand, the complement: TRPM1 is on the minus strand). VCF-style: chr15-31047156-C-T. GRCh37 (hg19) VCF-style: chr15-31339359-C-T.
Other names: c.1770G>A, p.Arg590= (NM_001252020.2); c.1653G>A, p.Arg551= (NM_002420.6).
Identifiers: ClinVar variation 4981729 (VCV004981729.1).

ClinVar aggregate classification (germline): Likely benign (1 of 4 stars; one submission).

Conditions:
TRPM1-related disorder. Also called: TRPM1-related condition.

gnomAD v4.1: 3 of 1,614,226 alleles (0.00019%); highest among the groups gnomAD compares: East Asian, 0.0067%; no homozygotes.

Submission:

PreventionGenetics, part of Exact Sciences
Classification: Likely benign for TRPM1-related condition. Last evaluated: 2024-12-04. Review status: criteria provided, single submitter. Criteria: ACMG Guidelines, 2015. Collection method: clinical testing. Allele origin: germline.
Comment: This variant is classified as likely benign based on ACMG/AMP sequence variant interpretation guidelines (Richards et al. 2015 PMID: 25741868, with internal and published modifications).